The following is an entry in ClinVar:

ClinVar aggregate classification (germline): Uncertain significance. Review status: criteria provided, multiple submitters, no conflicts (2 of 4 stars). 2 submissions from 2 submitters: Uncertain significance (2). Last evaluated 2024-12-12.

Conditions:
Inborn genetic diseases. Identifiers: MedGen C0950123, MeSH D030342.
Neutropenia, severe congenital, 1, autosomal dominant. Identifiers: MedGen C1859966, MONDO:0042490, OMIM 202700.
Cyclical neutropenia. Also called: Cyclic hematopoiesis; Cyclic Neutropenia. Identifiers: Orphanet 2686, MedGen C0221023, MONDO:0008090, OMIM 162800, HP:0040289. Disease mechanism: loss of function.

Submissions (2):

Ambry Genetics
Classification: Uncertain significance for Inborn genetic diseases. Last evaluated: 2024-12-12. Review status: criteria provided, single submitter. Criteria: Ambry Variant Classification Scheme 2023. Collection method: clinical testing. Allele origin: germline.
Comment: The p.A68D variant (also known as c.203C>A), located in coding exon 2 of the ELANE gene, results from a C to A substitution at nucleotide position 203. The alanine at codon 68 is replaced by aspartic acid, an amino acid with dissimilar properties. This amino acid position is conserved. In addition, this alteration is predicted to be deleterious by in silico analysis. Based on the available evidence, the clinical significance of this variant remains unclear.

Labcorp Genetics (formerly Invitae), Labcorp
Classification: Uncertain significance for Neutropenia, severe congenital, 1, autosomal dominant; Cyclical neutropenia. Last evaluated: 2024-04-01. Review status: criteria provided, single submitter. Criteria: Invitae Variant Classification Sherloc (09022015). Collection method: clinical testing. Allele origin: germline.
Comment: This sequence change replaces alanine, which is neutral and non-polar, with aspartic acid, which is acidic and polar, at codon 68 of the ELANE protein (p.Ala68Asp). This variant is not present in population databases (gnomAD no frequency). This variant has not been reported in the literature in individuals affected with ELANE-related conditions. Advanced modeling of protein sequence and biophysical properties (such as structural, functional, and spatial information, amino acid conservation, physicochemical variation, residue mobility, and thermodynamic stability) performed at Invitae indicates that this missense variant is expected to disrupt ELANE protein function with a positive predictive value of 80%. In summary, the available evidence is currently insufficient to determine the role of this variant in disease. Therefore, it has been classified as a Variant of Uncertain Significance.

NM_001972.4(ELANE):c.203C>A (p.Ala68Asp)

Gene: ELANE (elastase, neutrophil expressed; plus strand). Cytogenetic location: 19p13.3.
Variant type: single nucleotide variant.
Coding change: c.203C>A on transcript NM_001972.4 (MANE Select); coding-DNA position 203, C replaced by A.
Protein change: p.Ala68Asp; replaces alanine 68 with aspartic acid.
Molecular consequence: missense variant.
Genome position (GRCh38, 1-based): chr19:853,011, C>A. VCF-style: chr19-853011-C-A. GRCh37 (hg19) VCF-style: chr19-853011-C-A.
Other names: short protein forms A68D.
Identifiers: ClinVar variation 3751765 (VCV003751765.3).
Genomic context (GRCh38, chr19:853,011, plus strand): 5'-AGCTGCGCGGAGGCCACTTCTGCGGCGCCACCCTGATTGCGCCCAACTTCGTCATGTCGG[C>A]CGCGCACTGCGTGGCGAATGTGTGAGTAGCCGGGAGTGTGCGCGCCCGGCTCGGACCCCG-3'
Protein context (NP_001963.1, residues 58-78): TLIAPNFVMS[Ala68Asp]AHCVANVNVR